The following is an entry in ClinVar:

ClinVar aggregate classification (germline): Uncertain significance (1 of 4 stars; one submission).

Conditions:
Autosomal recessive limb-girdle muscular dystrophy type 2J (LGMDR10). Also called: Limb-girdle muscular dystrophy, type 2J; MUSCULAR DYSTROPHY, LIMB-GIRDLE, AUTOSOMAL RECESSIVE 10. Identifiers: Orphanet 140922, MedGen C1837342, MONDO:0012127, OMIM 608807.
Dilated cardiomyopathy 1G (CMD1G). Identifiers: Orphanet 154, MedGen C1858763, MONDO:0011400, OMIM 604145.

Submission:

Labcorp Genetics (formerly Invitae), Labcorp
Classification: Uncertain significance for Dilated cardiomyopathy 1G; Autosomal recessive limb-girdle muscular dystrophy type 2J. Last evaluated: 2025-08-09. Review status: criteria provided, single submitter. Criteria: Invitae Variant Classification Sherloc (09022015). Collection method: clinical testing. Allele origin: germline.
Comment: This sequence change replaces glutamine, which is neutral and polar, with glutamic acid, which is acidic and polar, at codon 35373 of the TTN protein (p.Gln35373Glu). This variant is not present in population databases (gnomAD no frequency). This variant has not been reported in the literature in individuals affected with TTN-related conditions. Experimental studies and prediction algorithms are not available or were not evaluated, and the functional significance of this variant is currently unknown. This variant is located in the M band of TTN (PMID: 25589632). Non-truncating variants in this region may be relevant for neuromuscular disorders, but have not been definitively shown to cause cardiomyopathy (PMID: 23975875). In summary, the available evidence is currently insufficient to determine the role of this variant in disease. Therefore, it has been classified as a Variant of Uncertain Significance.

Literature cited by the submitters: PubMed 25589632; PubMed 23975875.

NM_001267550.2(TTN):c.106117C>G (p.Gln35373Glu)

Genes: TTN-AS1 (TTN antisense RNA 1; plus strand), TTN (titin; minus strand), LOC129935182 (ATAC-STARR-seq lymphoblastoid active region 16807; plus strand). Cytogenetic location: 2q31.2.
Variant type: single nucleotide variant.
Coding change: c.106117C>G on transcript NM_001267550.2 (MANE Select); coding-DNA position 106117, C replaced by G.
Protein change: p.Gln35373Glu; replaces glutamine 35373 with glutamic acid.
Molecular consequence: missense variant.
Genome position (GRCh38, 1-based): chr2:178,530,498, G>C on the plus strand (C>G on the coding strand, the complement: TTN is on the minus strand). VCF-style: chr2-178530498-G-C. GRCh37 (hg19) VCF-style: chr2-179395225-G-C.
Other names: c.101194C>G, p.Gln33732Glu (NM_001256850.1); c.78922C>G, p.Gln26308Glu (NM_003319.4); c.98413C>G, p.Gln32805Glu (NM_133378.4); c.79297C>G, p.Gln26433Glu (NM_133432.3); c.79498C>G, p.Gln26500Glu (NM_133437.4); short protein forms Q32805E, Q33732E, Q26308E, Q26433E, Q35373E, Q26500E.
Identifiers: ClinVar variation 4791448 (VCV004791448.1).